The following is an entry in ClinVar:

ClinVar aggregate classification (germline): Uncertain significance (1 of 4 stars; one submission).

Conditions:
Vitamin B2 deficiency. Identifiers: MedGen C0035528.

Allele frequency attached by ClinVar (database versions not stated): gnomAD 0.00008 and 0.00009; TOPMed 0.00010; gnomAD exomes 0.00014 and 0.00016; ExAC 0.00020.
gnomAD v4.1: 241 of 1,613,494 alleles (0.015%); highest among the groups gnomAD compares: South Asian, 0.08%; 2 homozygotes.

Submission:

Labcorp Genetics (formerly Invitae), Labcorp
Classification: Uncertain significance for Vitamin B2 deficiency. Last evaluated: 2022-03-13. Review status: criteria provided, single submitter. Criteria: Invitae Variant Classification Sherloc (09022015). Collection method: clinical testing. Allele origin: germline.
Comment: In summary, the available evidence is currently insufficient to determine the role of this variant in disease. Therefore, it has been classified as a Variant of Uncertain Significance. Algorithms developed to predict the effect of sequence changes on RNA splicing suggest that this variant may create or strengthen a splice site. Algorithms developed to predict the effect of missense changes on protein structure and function (SIFT, PolyPhen-2, Align-GVGD) all suggest that this variant is likely to be tolerated. This variant has not been reported in the literature in individuals affected with SLC52A1-related conditions. This variant is present in population databases (rs773631155, gnomAD 0.08%), and has an allele count higher than expected for a pathogenic variant. This sequence change replaces valine, which is neutral and non-polar, with isoleucine, which is neutral and non-polar, at codon 84 of the SLC52A1 protein (p.Val84Ile).

NM_017986.4(SLC52A1):c.250G>A (p.Val84Ile)

Gene: SLC52A1 (solute carrier family 52 member 1; minus strand). Cytogenetic location: 17p13.2.
Variant type: single nucleotide variant.
Coding change: c.250G>A on transcript NM_017986.4 (MANE Select); coding-DNA position 250, G replaced by A.
Protein change: p.Val84Ile; replaces valine 84 with isoleucine.
Molecular consequence: missense variant.
Genome position (GRCh38, 1-based): chr17:5,034,239, C>T on the plus strand (G>A on the coding strand, the complement: SLC52A1 is on the minus strand). VCF-style: chr17-5034239-C-T. GRCh37 (hg19) VCF-style: chr17-4937534-C-T.
Other names: c.250G>A, p.Val84Ile (NM_001104577.2); short protein forms V84I.
Identifiers: ClinVar variation 1398457 (VCV001398457.6), dbSNP rs773631155, ClinGen allele CA8319832.